The following is an entry in ClinVar:

ClinVar aggregate classification (germline): Uncertain significance (1 of 4 stars; one submission).

Conditions:
Loeys-Dietz syndrome 2 (LDS2). Also called: Marfan Syndrome type 2; Marfan like connective tissue disorder; MFS 2; Marfan syndrome, type 2 (formerly); TGFBR2-Related Loeys-Dietz Syndrome; AORTIC ANEURYSM, FAMILIAL THORACIC 3. Identifiers: Orphanet 284973, Orphanet 558, MedGen C2674574, MONDO:0012427, OMIM 610168.

Submission:

Labcorp Genetics (formerly Invitae), Labcorp
Classification: Uncertain significance for Loeys-Dietz syndrome 2. Last evaluated: 2020-05-10. Review status: criteria provided, single submitter. Criteria: Invitae Variant Classification Sherloc (09022015). Collection method: clinical testing. Allele origin: germline.
Comment: The current clinical and genetic evidence is not sufficient to establish whether loss-of-function variants in TMPO cause disease. This variant has not been reported in the literature in individuals with TMPO-related conditions. This variant is a gross deletion of the genomic region encompassing exon(s) 1 of the TMPO gene, which includes the initiator codon. The 5' end of this event is unknown as it extends beyond the assayed region for this gene and therefore may encompass additional genes. The 3' boundary is likely confined to intron 1 of the TMPO gene. This is expected to result in an absent or disrupted protein product. In summary, the available evidence is currently insufficient to determine the role of this variant in disease. Therefore, it has been classified as a Variant of Uncertain Significance.

NC_000012.11:g.(?_98909636)_(98909934_?)del

Gene: TMPO (thymopoietin; plus strand). Cytogenetic location: 12q23.1.
Variant type: Deletion.
Identifiers: ClinVar variation 1041825 (VCV001041825.6).